The following is an entry in ClinVar:

NM_000430.4(PAFAH1B1):c.966G>A (p.Met322Ile)

Gene: PAFAH1B1 (platelet activating factor acetylhydrolase 1b regulatory subunit 1; plus strand). Cytogenetic location: 17p13.3.
Variant type: single nucleotide variant.
Coding change: c.966G>A on transcript NM_000430.4 (MANE Select); coding-DNA position 966, G replaced by A.
Protein change: p.Met322Ile; replaces methionine 322 with isoleucine.
Molecular consequence: missense variant.
Genome position (GRCh38, 1-based): chr17:2,676,570, G>A. VCF-style: chr17-2676570-G-A. GRCh37 (hg19) VCF-style: chr17-2579864-G-A.
Other names: short protein forms M322I.
Identifiers: ClinVar variation 1718549 (VCV001718549.5), dbSNP rs2544112077, ClinGen allele CA397642262.

ClinVar aggregate classification (germline): Uncertain significance (1 of 4 stars; one submission).

Submission:

Labcorp Genetics (formerly Invitae), Labcorp
Classification: Uncertain significance. Last evaluated: 2022-09-01. Review status: criteria provided, single submitter. Criteria: Invitae Variant Classification Sherloc (09022015). Collection method: clinical testing. Allele origin: germline.
Comment: In summary, the available evidence is currently insufficient to determine the role of this variant in disease. Therefore, it has been classified as a Variant of Uncertain Significance. Algorithms developed to predict the effect of missense changes on protein structure and function (SIFT, PolyPhen-2, Align-GVGD) all suggest that this variant is likely to be tolerated. This variant has not been reported in the literature in individuals affected with PAFAH1B1-related conditions. This variant is not present in population databases (gnomAD no frequency). This sequence change replaces methionine, which is neutral and non-polar, with isoleucine, which is neutral and non-polar, at codon 322 of the PAFAH1B1 protein (p.Met322Ile).